The following is an entry in ClinVar:

ClinVar aggregate classification (germline): Uncertain significance. Review status: criteria provided, multiple submitters, no conflicts (2 of 4 stars). 2 submissions from 2 submitters: Uncertain significance (2). Last evaluated 2022-04-23.

Conditions:
Inborn genetic diseases. Identifiers: MedGen C0950123, MeSH D030342.

Submissions (2):

Labcorp Genetics (formerly Invitae), Labcorp
Classification: Uncertain significance. Last evaluated: 2022-04-23. Review status: criteria provided, single submitter. Criteria: Invitae Variant Classification Sherloc (09022015). Collection method: clinical testing. Allele origin: germline.
Comment: This sequence change replaces proline, which is neutral and non-polar, with serine, which is neutral and polar, at codon 312 of the NSD1 protein (p.Pro312Ser). This variant is not present in population databases (gnomAD no frequency). This variant has not been reported in the literature in individuals affected with NSD1-related conditions. Advanced modeling of protein sequence and biophysical properties (such as structural, functional, and spatial information, amino acid conservation, physicochemical variation, residue mobility, and thermodynamic stability) performed at Invitae indicates that this missense variant is not expected to disrupt NSD1 protein function. In summary, the available evidence is currently insufficient to determine the role of this variant in disease. Therefore, it has been classified as a Variant of Uncertain Significance.

Ambry Genetics
Classification: Uncertain significance for Inborn genetic diseases. Last evaluated: 2021-08-13. Review status: criteria provided, single submitter. Criteria: Ambry Variant Classification Scheme 2023. Collection method: clinical testing. Allele origin: germline.

NM_022455.5(NSD1):c.934C>T (p.Pro312Ser)

Gene: NSD1 (nuclear receptor binding SET domain protein 1; plus strand). Cytogenetic location: 5q35.3.
Variant type: single nucleotide variant.
Coding change: c.934C>T on transcript NM_022455.5 (MANE Select); coding-DNA position 934, C replaced by T.
Protein change: p.Pro312Ser; replaces proline 312 with serine.
Molecular consequence: missense variant.
Genome position (GRCh38, 1-based): chr5:177,191,890, C>T. VCF-style: chr5-177191890-C-T. GRCh37 (hg19) VCF-style: chr5-176618891-C-T.
Other names: c.61C>T, p.Pro21Ser (NM_001365684.2, NM_001409305.1, NM_001409306.1 and 4 more transcripts); c.934C>T, p.Pro312Ser (NM_001409301.1, NM_001409302.1, NM_001409303.1); c.514C>T, p.Pro172Ser (NM_001409304.1); short protein forms P312S, P21S, P172S, P43S.
Identifiers: ClinVar variation 1989504 (VCV001989504.5), dbSNP rs1761723951, ClinGen allele CA362306164.